The following is an entry in ClinVar:

ClinVar aggregate classification (germline): Benign. Review status: criteria provided, multiple submitters, no conflicts (2 of 4 stars). 9 submissions from 8 submitters: Benign (6). 3 of the submissions do not count toward it. Last evaluated 2026-02-01.

Conditions:
Emery-Dreifuss muscular dystrophy 4, autosomal dominant (EDMD4). Also called: EMERY-DREIFUSS MUSCULAR DYSTROPHY 4 WITH VARIABLE FEATURES. Identifiers: Orphanet 261, MedGen C2751807, MONDO:0013071, OMIM 612998.
Autosomal recessive ataxia, Beauce type. Also called: SYNE1-Related Autosomal Recessive Cerebellar Ataxia; ATAXIA, RECESSIVE, OF BEAUCE; Spinocerebellar ataxia, autosomal recessive 8; SYNE1 Deficiency. Identifiers: Orphanet 88644, MedGen C1853116, MONDO:0012549, OMIM 610743.

Allele frequency attached by ClinVar (database versions not stated): ESP Exome Variant Server 0.03529; TOPMed 0.04268; ExAC 0.04426; gnomAD exomes 0.04505; 1000 Genomes Project 30x 0.05778; gnomAD 0.04156 and 0.04048; 1000 Genomes Project 0.06230.
gnomAD v4.1: 58,880 of 1,614,070 alleles (3.6%); highest among the groups gnomAD compares: East Asian, 15%; 1,546 homozygotes.

Submissions (9):

Labcorp Genetics (formerly Invitae), Labcorp
Classification: Benign for Emery-Dreifuss muscular dystrophy 4, autosomal dominant; Autosomal recessive ataxia, Beauce type. Last evaluated: 2026-02-01. Review status: criteria provided, single submitter. Criteria: Invitae Variant Classification Sherloc (09022015). Collection method: clinical testing. Allele origin: germline.

Illumina Laboratory Services, Illumina
Classification: Benign for Emery-Dreifuss muscular dystrophy 4, autosomal dominant. Last evaluated: 2018-01-12. Review status: criteria provided, single submitter. Criteria: ICSL Variant Classification Criteria 13 December 2019. Collection method: clinical testing. Allele origin: germline.
Comment: This variant was observed in the ICSL laboratory as part of a predisposition screen in an ostensibly healthy population. It had not been previously curated by ICSL or reported in the Human Gene Mutation Database (HGMD: prior to June 1st, 2018), and was therefore a candidate for classification through an automated scoring system. Utilizing variant allele frequency, disease prevalence and penetrance estimates, and inheritance mode, an automated score was calculated to assess if this variant is too frequent to cause the disease. Based on the score and internal cut-off values, a variant classified as benign is not then subjected to further curation. The score for this variant resulted in a classification of benign for this disease.

Illumina Laboratory Services, Illumina
Classification: Benign for Autosomal recessive ataxia, Beauce type. Last evaluated: 2018-01-12. Review status: criteria provided, single submitter. Criteria: ICSL Variant Classification Criteria 13 December 2019. Collection method: clinical testing. Allele origin: germline.
Comment: the same text as in the submission from Illumina Laboratory Services, Illumina above.

Mayo Clinic Laboratories, Mayo Clinic
Classification: Benign. Last evaluated: 2017-10-10. Review status: criteria provided, single submitter. Criteria: ACMG Guidelines, 2015. Collection method: clinical testing. Allele origin: germline. Observed: 72 variant alleles.

GeneDx
Classification: Benign. Last evaluated: 2016-01-28. Review status: criteria provided, single submitter. Criteria: GeneDx Variant Classification (06012015). Collection method: clinical testing. Allele origin: germline. Affected: yes.
Comment: This variant is considered likely benign or benign based on one or more of the following criteria: it is a conservative change, it occurs at a poorly conserved position in the protein, it is predicted to be benign by multiple in silico algorithms, and/or has population frequency not consistent with disease.

PreventionGenetics, part of Exact Sciences
Classification: Benign. Review status: criteria provided, single submitter. Criteria: ACMG Guidelines, 2015. Collection method: clinical testing. Allele origin: germline.

Clinical Genetics DNA and cytogenetics Diagnostics Lab, Erasmus MC, Erasmus Medical Center
Classification: Benign. Review status: no assertion criteria provided. Collection method: clinical testing. Allele origin: germline. Affected: yes. Study: VKGL Data-share Consensus. Not counted in ClinVar's aggregate classification.

Clinical Genetics, Academic Medical Center
Classification: Benign. Review status: no assertion criteria provided. Collection method: clinical testing. Allele origin: germline. Affected: yes. Study: VKGL Data-share Consensus. Not counted in ClinVar's aggregate classification.

Genetic Services Laboratory, University of Chicago
Classification: Likely benign for AllHighlyPenetrant. Review status: no assertion criteria provided. Collection method: clinical testing. Allele origin: germline. Inheritance: Autosomal dominant inheritance. Not counted in ClinVar's aggregate classification.
Comment: Likely benign based on allele frequency in 1000 Genomes Project or ESP global frequency and its presence in a patient with a rare or unrelated disease phenotype. NOT Sanger confirmed.

NM_182961.4(SYNE1):c.15597C>G (p.Ala5199=)

Gene: SYNE1 (spectrin repeat containing nuclear envelope protein 1; minus strand). Cytogenetic location: 6q25.2.
Variant type: single nucleotide variant.
Coding change: c.15597C>G on transcript NM_182961.4 (MANE Select); coding-DNA position 15597, C replaced by G.
Protein change: p.Ala5199=; no amino-acid change (alanine 5199 retained).
Molecular consequence: synonymous variant.
Genome position (GRCh38, 1-based): chr6:152,325,144, G>C on the plus strand (C>G on the coding strand, the complement: SYNE1 is on the minus strand). VCF-style: chr6-152325144-G-C. GRCh37 (hg19) VCF-style: chr6-152646279-G-C.
Other names: p.Ala5128=; c.15384C>G, p.Ala5128= (NM_033071.5).
Identifiers: ClinVar variation 130409 (VCV000130409.23), dbSNP rs9383987, ClinGen allele CA155376.